The following is an entry in ClinVar:

NM_000179.3(MSH6):c.3671G>C (p.Gly1224Ala)

Gene: MSH6 (mutS homolog 6; plus strand). Cytogenetic location: 2p16.3.
Variant type: single nucleotide variant.
Coding change: c.3671G>C on transcript NM_000179.3 (MANE Select); coding-DNA position 3671, G replaced by C.
Protein change: p.Gly1224Ala; replaces glycine 1224 with alanine.
Molecular consequence: missense variant. On other transcripts: non-coding transcript variant (5).
Genome position (GRCh38, 1-based): chr2:47,806,228, G>C. VCF-style: chr2-47806228-G-C. GRCh37 (hg19) VCF-style: chr2-48033367-G-C.
Other names: c.3281G>C, p.Gly1094Ala (NM_001281492.2); c.2765G>C, p.Gly922Ala (NM_001281493.2, NM_001281494.2, NM_001406811.1 and 6 more transcripts); c.3767G>C, p.Gly1256Ala (NM_001406795.1, NM_001406802.1); c.3671G>C, p.Gly1224Ala (NM_001406796.1, NM_001406800.1, NM_001406808.1 and 1 more transcripts); c.3374G>C, p.Gly1125Ala (NM_001406797.1, NM_001406801.1, NM_001406805.1 and 10 more transcripts); c.3497G>C, p.Gly1166Ala (NM_001406798.1); c.3146G>C, p.Gly1049Ala (NM_001406799.1, NM_001406806.1, NM_001406807.1); c.2807G>C, p.Gly936Ala (NM_001406803.1); and 7 more; short protein forms G1125A, G1198A, G173A, G539A, G1256A, G702A, G936A, G1049A.
Identifiers: ClinVar variation 4657731 (VCV004657731.2).

ClinVar aggregate classification (germline): Uncertain significance (1 of 4 stars; one submission).

Conditions:
Hereditary cancer-predisposing syndrome. Also called: Hereditary Cancer Syndrome; Hereditary neoplastic syndrome; Neoplastic Syndromes, Hereditary; Tumor predisposition. Identifiers: Orphanet 140162, MedGen C0027672, MeSH D009386, MONDO:0015356.

Submission:

Ambry Genetics
Classification: Uncertain significance for Hereditary cancer-predisposing syndrome. Last evaluated: 2026-08-20. Review status: criteria provided, single submitter. Criteria: Ambry Variant Classification Scheme 2023. Collection method: clinical testing. Allele origin: germline.
Comment: The p.G1224A variant (also known as c.3671G>C), located in coding exon 8 of the MSH6 gene, results from a G to C substitution at nucleotide position 3671. The glycine at codon 1224 is replaced by alanine, an amino acid with similar properties. This amino acid position is conserved. In addition, this alteration is predicted to be deleterious by in silico analysis. Based on the available evidence, the clinical significance of this variant remains unclear.